The following is an entry in ClinVar:

NM_000179.3(MSH6):c.2197A>G (p.Met733Val)

Gene: MSH6 (mutS homolog 6; plus strand). Cytogenetic location: 2p16.3.
Variant type: single nucleotide variant.
Coding change: c.2197A>G on transcript NM_000179.3 (MANE Select); coding-DNA position 2197, A replaced by G.
Protein change: p.Met733Val; replaces methionine 733 with valine.
Molecular consequence: missense variant.
Genome position (GRCh38, 1-based): chr2:47,800,180, A>G. VCF-style: chr2-47800180-A-G. GRCh37 (hg19) VCF-style: chr2-48027319-A-G.
Other names: c.1807A>G, p.Met603Val (NM_001281492.2); c.1291A>G, p.Met431Val (NM_001281493.2, NM_001281494.2); short protein forms M733V, M603V, M431V.
Identifiers: ClinVar variation 486901 (VCV000486901.21), dbSNP rs1355166868, ClinGen allele CA346751333.

ClinVar aggregate classification (germline): Conflicting classifications of pathogenicity. Review status: criteria provided, conflicting classifications (1 of 4 stars). 4 submissions from 4 submitters: Uncertain significance (3); Likely benign (1). Last evaluated 2025-05-14.

Conditions:
Hereditary cancer-predisposing syndrome. Also called: Tumor predisposition; Hereditary Cancer Syndrome; Hereditary neoplastic syndrome; Neoplastic Syndromes, Hereditary. Identifiers: Orphanet 140162, MedGen C0027672, MeSH D009386, MONDO:0015356.
Hereditary nonpolyposis colorectal neoplasms. Identifiers: MedGen C0009405, MeSH D003123.
Lynch syndrome. Identifiers: Orphanet 144, MedGen C4552100, MONDO:0005835. Disease mechanism: loss of function.

Allele frequency attached by ClinVar (database versions not stated): gnomAD exomes below 0.00001.
gnomAD v4.1: 4 of 1,614,206 alleles (0.00025%); highest among the groups gnomAD compares: Non-Finnish European, 0.00034%; no homozygotes.

Submissions (4):

Labcorp Genetics (formerly Invitae), Labcorp
Classification: Likely benign for Hereditary nonpolyposis colorectal neoplasms. Last evaluated: 2025-05-14. Review status: criteria provided, single submitter. Criteria: Invitae Variant Classification Sherloc (09022015). Collection method: clinical testing. Allele origin: germline.

Ambry Genetics
Classification: Uncertain significance for Hereditary cancer-predisposing syndrome. Last evaluated: 2024-04-02. Review status: criteria provided, single submitter. Criteria: Ambry Variant Classification Scheme 2023. Collection method: clinical testing. Allele origin: germline.
Comment: The p.M733V variant (also known as c.2197A>G), located in coding exon 4 of the MSH6 gene, results from an A to G substitution at nucleotide position 2197. The methionine at codon 733 is replaced by valine, an amino acid with highly similar properties. This amino acid position is well conserved in available vertebrate species. In addition, this alteration is predicted to be deleterious by in silico analysis. Since supporting evidence is limited at this time, the clinical significance of this alteration remains unclear.

All of Us Research Program, National Institutes of Health
Classification: Uncertain significance for Lynch syndrome. Last evaluated: 2023-06-08. Review status: criteria provided, single submitter. Criteria: ACMG Guidelines, 2015. Collection method: clinical testing. Allele origin: germline. Inheritance: Autosomal dominant inheritance. Observed: 1 variant allele, 1 heterozygote.
Comment: This missense variant replaces methionine with valine at codon 733 of the MSH6 protein. Computational prediction suggests that this variant may have deleterious impact on protein structure and function (internally defined REVEL score threshold >= 0.7, PMID: 27666373). To our knowledge, functional studies have not been reported for this variant. This variant has been reported in one individual from a predominantly colorectal and endometrial cancer cohort (PMID: 31391288). This variant has been identified in 1/250894 chromosomes in the general population by the Genome Aggregation Database (gnomAD). The available evidence is insufficient to determine the role of this variant in disease conclusively. Therefore, this variant is classified as a Variant of Uncertain Significance.

This study involves interpretation of variants in research participants for the purpose of population health screening. Participant phenotype was not available at the time of variant classification. Additional details can be found in publication PMID: 35346344, PMCID: PMC8962531

Color Diagnostics, LLC DBA Color Health
Classification: Uncertain significance for Hereditary cancer-predisposing syndrome. Last evaluated: 2023-04-20. Review status: criteria provided, single submitter. Criteria: ACMG Guidelines, 2015. Collection method: clinical testing. Allele origin: germline.
Comment: This missense variant replaces methionine with valine at codon 733 of the MSH6 protein. Computational prediction suggests that this variant may have deleterious impact on protein structure and function (internally defined REVEL score threshold >= 0.7, PMID: 27666373). To our knowledge, functional studies have not been reported for this variant. This variant has been reported in one individual from a predominantly colorectal and endometrial cancer cohort (PMID: 31391288). This variant has been identified in 1/250894 chromosomes in the general population by the Genome Aggregation Database (gnomAD). The available evidence is insufficient to determine the role of this variant in disease conclusively. Therefore, this variant is classified as a Variant of Uncertain Significance.

Literature cited by the submitters: PubMed 31391288 (cited by All of Us Research Program, National Institutes of Health and Color Diagnostics, LLC DBA Color Health).